The following is an entry in ClinVar:

ClinVar aggregate classification (germline): Benign/Likely benign. Review status: criteria provided, multiple submitters, no conflicts (2 of 4 stars). 6 submissions from 6 submitters: Benign (3); Likely benign (3). Last evaluated 2026-03-01.

Conditions:
Familial focal epilepsy with variable foci (FPEVF). Identifiers: Orphanet 98820, MedGen C1858477, MONDO:0020310.
Inborn genetic diseases. Identifiers: MedGen C0950123, MeSH D030342.

Allele frequency attached by ClinVar (database versions not stated): gnomAD exomes 0.00034 and 0.00091; ExAC 0.00116; 1000 Genomes Project 0.00339; gnomAD 0.00362 and 0.00386; TOPMed 0.00383; 1000 Genomes Project 30x 0.00390; ESP Exome Variant Server 0.00459.
gnomAD v4.1: 1,060 of 1,614,190 alleles (0.066%); highest among the groups gnomAD compares: African/African-American, 1.3%; 12 homozygotes.

Submissions (6):

CeGaT Center for Human Genetics Tuebingen
Classification: Likely benign. Last evaluated: 2026-03-01. Review status: criteria provided, single submitter. Criteria: CeGaT Center For Human Genetics Tuebingen Variant Classification Criteria Version 2. Collection method: clinical testing. Allele origin: germline. Affected: yes. Observed: 4 variant alleles.
Comment: DEPDC5: BP4, BP7, BS1

Labcorp Genetics (formerly Invitae), Labcorp
Classification: Benign for Familial focal epilepsy with variable foci. Last evaluated: 2026-01-14. Review status: criteria provided, single submitter. Criteria: Invitae Variant Classification Sherloc (09022015). Collection method: clinical testing. Allele origin: germline.

Blueprint Genetics
Classification: Likely benign. Last evaluated: 2024-11-13. Review status: criteria provided, single submitter. Criteria: ACMG Guidelines, 2015. Collection method: clinical testing. Allele origin: germline.

GeneDx
Classification: Likely benign. Last evaluated: 2020-12-09. Review status: criteria provided, single submitter. Criteria: GeneDx Variant Classification Process June 2021. Collection method: clinical testing. Allele origin: germline. Affected: yes.

Athena Diagnostics
Classification: Benign. Last evaluated: 2018-01-25. Review status: criteria provided, single submitter. Criteria: Athena Diagnostics Criteria. Collection method: clinical testing. Allele origin: germline.

Ambry Genetics
Classification: Benign for Inborn genetic diseases. Last evaluated: 2016-07-28. Review status: criteria provided, single submitter. Criteria: Ambry Variant Classification Scheme 2023. Collection method: clinical testing. Allele origin: germline.

NM_001242896.3(DEPDC5):c.2856T>C (p.Cys952=)

Gene: DEPDC5 (DEP domain containing 5, GATOR1 subcomplex subunit; plus strand). Cytogenetic location: 22q12.3.
Variant type: single nucleotide variant.
Coding change: c.2856T>C on transcript NM_001242896.3 (MANE Select); coding-DNA position 2856, T replaced by C.
Protein change: p.Cys952=; no amino-acid change (cysteine 952 retained).
Molecular consequence: synonymous variant. On other transcripts: non-coding transcript variant (5).
Genome position (GRCh38, 1-based): chr22:31,845,072, T>C. VCF-style: chr22-31845072-T-C. GRCh37 (hg19) VCF-style: chr22-32241058-T-C.
Other names: c.2829T>C, p.Cys943= (NM_001136029.4, NM_001369903.1, NM_014662.6); c.2622T>C, p.Cys874= (NM_001242897.2, NM_001363854.2, NM_001364319.2); c.2856T>C, p.Cys952= (NM_001363852.2, NM_001364318.2, NM_001364320.2); c.2772T>C, p.Cys924= (NM_001369901.1, NM_001369902.1).
Identifiers: ClinVar variation 414445 (VCV000414445.27), dbSNP rs115299174, ClinGen allele CA10196818.
Genomic context (GRCh38, chr22:31,845,072, plus strand): 5'-CCTTAGCTTAATTGAGTCCCTGAAGTTCTGGAGGACCCGCTTCCTGCTGCTGCCAGCCTG[T>C]GTCACCGCCACCAAGCGCATCACGGAGGGGGAGGCCCACTGCGACATCTATGGGGACAGG-3'
Protein context (NP_001229825.1, residues 942-962): WRTRFLLLPA[Cys952=]VTATKRITEG